The following is an entry in ClinVar:

NM_001376013.1(EPB41):c.2016C>T (p.Asp672=)

Gene: EPB41 (erythrocyte membrane protein band 4.1; plus strand). Cytogenetic location: 1p35.3.
Variant type: single nucleotide variant.
Coding change: c.2016C>T on transcript NM_001376013.1 (MANE Select); coding-DNA position 2016, C replaced by T.
Protein change: p.Asp672=; no amino-acid change (aspartic acid 672 retained).
Molecular consequence: synonymous variant.
Genome position (GRCh38, 1-based): chr1:29,064,990, C>T. VCF-style: chr1-29064990-C-T. GRCh37 (hg19) VCF-style: chr1-29391502-C-T.
Other names: c.2016C>T, p.Asp672= (NM_001166005.2, NM_001376016.1, NM_001376017.1 and 1 more transcripts); c.1974C>T, p.Asp658= (NM_001166006.2); c.1227C>T, p.Asp409= (NM_001166007.2, NM_001376027.1); c.1911C>T, p.Asp637= (NM_001376014.1, NM_001376015.1); c.2013C>T, p.Asp671= (NM_001376018.1, NM_001376020.1); c.1854C>T, p.Asp618= (NM_001376021.1); c.1389C>T, p.Asp463= (NM_001376022.1, NM_001376023.1, NM_001376024.1 and 1 more transcripts); c.1281C>T, p.Asp427= (NM_001376026.1); and 4 more.
Identifiers: ClinVar variation 3034843 (VCV003034843.2), dbSNP rs751896793, ClinGen allele CA724712.

ClinVar aggregate classification (germline): Likely benign (0 of 4 stars; one submission).

Conditions:
EPB41-related disorder. Also called: EPB41-related condition.

Allele frequency attached by ClinVar (database versions not stated): gnomAD exomes below 0.00001; TOPMed below 0.00001; ExAC 0.00001; gnomAD 0.00001.
gnomAD v4.1: 8 of 1,613,790 alleles (0.0005%); highest among the groups gnomAD compares: Middle Eastern, 0.066%; no homozygotes.

Submission:

PreventionGenetics, part of Exact Sciences
Classification: Likely benign for EPB41-related condition. Last evaluated: 2019-08-12. Review status: no assertion criteria provided. Collection method: clinical testing. Allele origin: germline.
Comment: This variant is classified as likely benign based on ACMG/AMP sequence variant interpretation guidelines (Richards et al. 2015 PMID: 25741868, with internal and published modifications).